The following is an entry in ClinVar:

ClinVar aggregate classification (germline): Uncertain significance (1 of 4 stars; one submission).

Conditions:
Nephronophthisis. Also called: Juvenile Nephronophthisis. Identifiers: Orphanet 655, MedGen C0687120, MONDO:0019005, HP:0000090.

Submission:

Labcorp Genetics (formerly Invitae), Labcorp
Classification: Uncertain significance for Nephronophthisis. Last evaluated: 2022-07-06. Review status: criteria provided, single submitter. Criteria: Invitae Variant Classification Sherloc (09022015). Collection method: clinical testing. Allele origin: germline.
Comment: This variant is not present in population databases (gnomAD no frequency). This sequence change replaces glutamine, which is neutral and polar, with leucine, which is neutral and non-polar, at codon 395 of the IQCB1 protein (p.Gln395Leu). This variant has not been reported in the literature in individuals affected with IQCB1-related conditions. Algorithms developed to predict the effect of missense changes on protein structure and function are either unavailable or do not agree on the potential impact of this missense change (SIFT: "Deleterious"; PolyPhen-2: "Probably Damaging"; Align-GVGD: "Class C0"). In summary, the available evidence is currently insufficient to determine the role of this variant in disease. Therefore, it has been classified as a Variant of Uncertain Significance.

NM_001023570.4(IQCB1):c.1184A>T (p.Gln395Leu)

Gene: IQCB1 (IQ motif containing B1; minus strand). Cytogenetic location: 3q13.33.
Variant type: single nucleotide variant.
Coding change: c.1184A>T on transcript NM_001023570.4 (MANE Select); coding-DNA position 1184, A replaced by T.
Protein change: p.Gln395Leu; replaces glutamine 395 with leucine.
Molecular consequence: missense variant. On other transcripts: non-coding transcript variant (1).
Genome position (GRCh38, 1-based): chr3:121,788,378, T>A on the plus strand (A>T on the coding strand, the complement: IQCB1 is on the minus strand). VCF-style: chr3-121788378-T-A. GRCh37 (hg19) VCF-style: chr3-121507225-T-A.
Other names: c.785A>T, p.Gln262Leu (NM_001023571.4); c.1184A>T, p.Gln395Leu (NM_001319107.2); short protein forms Q262L, Q395L.
Identifiers: ClinVar variation 2072176 (VCV002072176.3), dbSNP rs940498474, ClinGen allele CA82731605.